The following is an entry in ClinVar:

NM_014875.3(KIF14):c.2175G>A (p.Lys725=)

Gene: KIF14 (kinesin family member 14; minus strand). Cytogenetic location: 1q32.1.
Variant type: single nucleotide variant.
Coding change: c.2175G>A on transcript NM_014875.3 (MANE Select); coding-DNA position 2175, G replaced by A.
Protein change: p.Lys725=; no amino-acid change (lysine 725 retained).
Molecular consequence: synonymous variant.
Genome position (GRCh38, 1-based): chr1:200,600,481, C>T on the plus strand (G>A on the coding strand, the complement: KIF14 is on the minus strand). VCF-style: chr1-200600481-C-T. GRCh37 (hg19) VCF-style: chr1-200569609-C-T.
Other names: c.2175G>A (NM_014875.2); c.702G>A, p.Lys234= (NM_001305792.1).
Identifiers: ClinVar variation 2639721 (VCV002639721.25), dbSNP rs753027652, ClinGen allele CA1317586.
Genomic context (GRCh38, chr1:200,600,481, plus strand): 5'-CCGACAGAGCCTGTATCGTTCAGGGTCAATATTCCGACTGTTTCTCTGAGCAGCTTTTAG[C>T]TTTGCAATTTCTGCCTTCAATTCTGAAGATTTATACAAAGATGCATTAATAATAACATTT-3'
Protein context (NP_055690.1, residues 715-735): LIRELKAEIA[Lys725=]LKAAQRNSRN

ClinVar aggregate classification (germline): Likely benign. Review status: criteria provided, single submitter (1 of 4 stars). 2 submissions from 2 submitters: Likely benign (1). 1 of the submissions does not count toward it. Last evaluated 2023-01-01.

Conditions:
KIF14-related disorder. Also called: KIF14-related condition.

Allele frequency attached by ClinVar (database versions not stated): gnomAD 0.00001; ExAC 0.00003; gnomAD exomes 0.00003.
gnomAD v4.1: 52 of 1,613,346 alleles (0.0032%); highest among the groups gnomAD compares: Middle Eastern, 0.016%; no homozygotes.

Submissions (2):

CeGaT Center for Human Genetics Tuebingen
Classification: Likely benign. Last evaluated: 2023-01-01. Review status: criteria provided, single submitter. Criteria: CeGaT Center For Human Genetics Tuebingen Variant Classification Criteria Version 2. Collection method: clinical testing. Allele origin: germline. Affected: yes. Observed: 1 variant allele.
Comment: KIF14: BP4, BP7

PreventionGenetics, part of Exact Sciences
Classification: Likely benign for KIF14-related condition. Last evaluated: 2019-02-27. Review status: no assertion criteria provided. Collection method: clinical testing. Allele origin: germline. Not counted in ClinVar's aggregate classification.
Comment: This variant is classified as likely benign based on ACMG/AMP sequence variant interpretation guidelines (Richards et al. 2015 PMID: 25741868, with internal and published modifications).